The following is an entry in ClinVar:

ClinVar aggregate classification (germline): Pathogenic (1 of 4 stars; one submission).

Submission:

Labcorp Genetics (formerly Invitae), Labcorp
Classification: Pathogenic. Last evaluated: 2023-07-17. Review status: criteria provided, single submitter. Criteria: Invitae Variant Classification Sherloc (09022015). Collection method: clinical testing. Allele origin: germline.
Comment: ClinVar contains an entry for this variant (Variation ID: 2013294). For these reasons, this variant has been classified as Pathogenic. This variant has not been reported in the literature in individuals affected with COL18A1-related conditions. This variant is not present in population databases (gnomAD no frequency). This sequence change creates a premature translational stop signal (p.Gly988Argfs*96) in the COL18A1 gene. It is expected to result in an absent or disrupted protein product. Loss-of-function variants in COL18A1 are known to be pathogenic (PMID: 12415512, 25456301).

Literature cited by the submitters: PubMed 12415512; PubMed 25456301.

NM_001379500.1(COL18A1):c.2969dup (p.Gly991fs)

Genes: COL18A1 (collagen type XVIII alpha 1 chain; plus strand), SLC19A1 (solute carrier family 19 member 1; minus strand). Cytogenetic location: 21q22.3.
Variant type: Duplication.
Coding change: c.2969dup on transcript NM_001379500.1 (MANE Select); coding-DNA position 2969, one base duplicated (C; older notation c.2969dupC).
Protein change: p.Gly991fs; shifts the reading frame from glycine 991.
Molecular consequence: frameshift variant.
Genome position (GRCh38, 1-based): chr21:45,505,234, C duplicated; the last of 6 consecutive C bases (chr21:45,505,229-45,505,234); duplicating any one gives the same sequence. VCF-style (leftmost placement, unchanged base first): chr21-45505228-G-GC. GRCh37 (hg19) VCF-style: chr21-46925142-G-GC.
Other names: c.3500dup, p.Gly1168fs (NM_030582.4); c.4205dup, p.Gly1403fs (NM_130444.3); short protein forms G1403fs, G991fs, G1168fs.
Identifiers: ClinVar variation 2013294 (VCV002013294.4), dbSNP rs1268694070, ClinGen allele CA2392191268.